The following is an entry in ClinVar:

ClinVar aggregate classification (germline): Uncertain significance (1 of 4 stars; one submission).

Submission:

Labcorp Genetics (formerly Invitae), Labcorp
Classification: Uncertain significance. Last evaluated: 2024-11-04. Review status: criteria provided, single submitter. Criteria: Invitae Variant Classification Sherloc (09022015). Collection method: clinical testing. Allele origin: germline.
Comment: This variant, c.1622_1633del, results in the deletion of 4 amino acid(s) of the ATP2A2 protein (p.Lys541_Ile544del), but otherwise preserves the integrity of the reading frame. This variant is not present in population databases (gnomAD no frequency). This variant has not been reported in the literature in individuals affected with ATP2A2-related conditions. Experimental studies and prediction algorithms are not available or were not evaluated, and the functional significance of this variant is currently unknown. In summary, the available evidence is currently insufficient to determine the role of this variant in disease. Therefore, it has been classified as a Variant of Uncertain Significance.

NM_170665.4(ATP2A2):c.1622_1633del (p.Lys541_Ile544del)

Gene: ATP2A2 (ATPase sarcoplasmic/endoplasmic reticulum Ca2+ transporting 2; plus strand). Cytogenetic location: 12q24.11.
Variant type: Deletion.
Coding change: c.1622_1633del on transcript NM_170665.4 (MANE Select); coding-DNA positions 1622 to 1633, 12 bases deleted (AACAGAAGATCA).
Protein change: p.Lys541_Ile544del.
Genome position (GRCh38, 1-based): chr12:110,339,582-110,339,593, AACAGAAGATCA deleted; deleting any 12 consecutive bases within chr12:110,339,579-110,339,593 gives the same sequence; the c. name uses the placement nearest the transcript's 3' end. VCF-style (leftmost placement, unchanged base first): chr12-110339578-GTCAAACAGAAGA-G. GRCh37 (hg19) VCF-style: chr12-110777383-GTCAAACAGAAGA-G.
Other names: c.1517_1528del, p.Lys506_Ile509del (NM_001413013.1); c.1622_1633del, p.Lys541_Ile544del (NM_001413014.1, NM_001681.4); c.1247_1258del, p.Lys416_Ile419del (NM_001413015.1).
Identifiers: ClinVar variation 3724643 (VCV003724643.2).